The following is an entry in ClinVar:

NM_182961.4(SYNE1):c.18634G>A (p.Val6212Ile)

Gene: SYNE1 (spectrin repeat containing nuclear envelope protein 1; minus strand). Cytogenetic location: 6q25.2.
Variant type: single nucleotide variant.
Coding change: c.18634G>A on transcript NM_182961.4 (MANE Select); coding-DNA position 18634, G replaced by A.
Protein change: p.Val6212Ile; replaces valine 6212 with isoleucine.
Molecular consequence: missense variant.
Genome position (GRCh38, 1-based): chr6:152,269,226, C>T on the plus strand (G>A on the coding strand, the complement: SYNE1 is on the minus strand). VCF-style: chr6-152269226-C-T. GRCh37 (hg19) VCF-style: chr6-152590361-C-T.
Other names: c.18421G>A, p.Val6141Ile (NM_033071.5); short protein forms V6141I, V6212I.
Identifiers: ClinVar variation 448567 (VCV000448567.16), dbSNP rs138258566, ClinGen allele CA4054902.

ClinVar aggregate classification (germline): Uncertain significance. Review status: criteria provided, multiple submitters, no conflicts (2 of 4 stars). 4 submissions from 4 submitters: Uncertain significance (4). Last evaluated 2023-01-03.

Conditions:
Emery-Dreifuss muscular dystrophy 4, autosomal dominant (EDMD4). Also called: EMERY-DREIFUSS MUSCULAR DYSTROPHY 4 WITH VARIABLE FEATURES. Identifiers: Orphanet 261, MedGen C2751807, MONDO:0013071, OMIM 612998.
Autosomal recessive ataxia, Beauce type. Also called: Spinocerebellar ataxia, autosomal recessive 8; ATAXIA, RECESSIVE, OF BEAUCE; SYNE1-Related Autosomal Recessive Cerebellar Ataxia; SYNE1 Deficiency. Identifiers: Orphanet 88644, MedGen C1853116, MONDO:0012549, OMIM 610743.

Allele frequency attached by ClinVar (database versions not stated): ESP Exome Variant Server 0.00015; 1000 Genomes Project 30x 0.00016; 1000 Genomes Project 0.00020; gnomAD 0.00003 and 0.00002; gnomAD exomes 0.00004 and 0.00006; TOPMed 0.00005; ExAC 0.00009.
gnomAD v4.1: 57 of 1,614,196 alleles (0.0035%); highest among the groups gnomAD compares: Middle Eastern, 0.033%; no homozygotes.

Submissions (4):

Athena Diagnostics
Classification: Uncertain significance. Last evaluated: 2023-01-03. Review status: criteria provided, single submitter. Criteria: Athena Diagnostics Criteria. Collection method: clinical testing. Allele origin: unknown.
Comment: Available data are insufficient to determine the clinical significance of the variant at this time. The frequency of this variant in the general population is uninformative in assessment of its pathogenicity. In multiple individuals, this variant has been seen where an alternate explanation for disease was also identified, suggesting this variant is unlikely to cause disease. Computational tools disagree on the variant's effect on normal protein function.

Labcorp Genetics (formerly Invitae), Labcorp
Classification: Uncertain significance for Emery-Dreifuss muscular dystrophy 4, autosomal dominant; Autosomal recessive ataxia, Beauce type. Last evaluated: 2022-06-13. Review status: criteria provided, single submitter. Criteria: Invitae Variant Classification Sherloc (09022015). Collection method: clinical testing. Allele origin: germline.
Comment: In summary, the available evidence is currently insufficient to determine the role of this variant in disease. Therefore, it has been classified as a Variant of Uncertain Significance. Algorithms developed to predict the effect of missense changes on protein structure and function are either unavailable or do not agree on the potential impact of this missense change (SIFT: "Deleterious"; PolyPhen-2: "Benign"; Align-GVGD: "Class C25"). ClinVar contains an entry for this variant (Variation ID: 448567). This variant has not been reported in the literature in individuals affected with SYNE1-related conditions. This variant is present in population databases (rs138258566, gnomAD 0.03%). This sequence change replaces valine, which is neutral and non-polar, with isoleucine, which is neutral and non-polar, at codon 6141 of the SYNE1 protein (p.Val6141Ile).

Revvity Omics, Revvity
Classification: Uncertain significance. Last evaluated: 2020-09-01. Review status: criteria provided, single submitter. Criteria: ACMG Guidelines, 2015. Collection method: clinical testing. Allele origin: germline.

Eurofins Ntd Llc (ga)
Classification: Uncertain significance. Last evaluated: 2018-07-12. Review status: criteria provided, single submitter. Criteria: EGL ClinVar v180209 classification definitions. Collection method: clinical testing. Allele origin: germline. Observed: 1 variant allele, 1 heterozygote.